The following is an entry in ClinVar:

ClinVar aggregate classification (germline): Uncertain significance (1 of 4 stars; one submission).

Submission:

CeGaT Center for Human Genetics Tuebingen
Classification: Uncertain significance. Last evaluated: 2026-07-01. Review status: criteria provided, single submitter. Criteria: CeGaT Center For Human Genetics Tuebingen Variant Classification Criteria Version 2. Collection method: clinical testing. Allele origin: germline. Affected: yes. Observed: 1 variant allele.
Comment: TNFRSF1A: PM2

NM_001065.4(TNFRSF1A):c.1277G>A (p.Arg426His)

Gene: TNFRSF1A (TNF receptor superfamily member 1A; minus strand). Cytogenetic location: 12p13.31.
Variant type: single nucleotide variant.
Coding change: c.1277G>A on transcript NM_001065.4 (MANE Select); coding-DNA position 1277, G replaced by A.
Protein change: p.Arg426His; replaces arginine 426 with histidine.
Molecular consequence: missense variant. On other transcripts: non-coding transcript variant (1).
Genome position (GRCh38, 1-based): chr12:6,329,403, C>T on the plus strand (G>A on the coding strand, the complement: TNFRSF1A is on the minus strand). VCF-style: chr12-6329403-C-T. GRCh37 (hg19) VCF-style: chr12-6438569-C-T.
Other names: c.953G>A, p.Arg318His (NM_001346091.2); c.818G>A, p.Arg273His (NM_001346092.2); short protein forms R273H, R318H, R426H.
Identifiers: ClinVar variation 5039721 (VCV005039721.1).